The following is an entry in ClinVar:

ClinVar aggregate classification (germline): Likely benign. Review status: criteria provided, multiple submitters, no conflicts (2 of 4 stars). 3 submissions from 3 submitters: Likely benign (2). 1 of the submissions does not count toward it. Last evaluated 2024-09-16.

Conditions:
NLRP5-related disorder. Also called: NLRP5-related condition.

Allele frequency attached by ClinVar (database versions not stated): gnomAD exomes 0.00034; ExAC 0.00104; ESP Exome Variant Server 0.00313; 1000 Genomes Project 30x 0.00344; gnomAD 0.00367; 1000 Genomes Project 0.00379; TOPMed 0.00397.
gnomAD v4.1: 1,096 of 1,614,030 alleles (0.068%); highest among the groups gnomAD compares: African/African-American, 1.2%; 9 homozygotes.

Submissions (3):

Blueprint Genetics
Classification: Likely benign. Last evaluated: 2024-09-16. Review status: criteria provided, single submitter. Criteria: ACMG Guidelines, 2015. Collection method: clinical testing. Allele origin: germline.

CeGaT Center for Human Genetics Tuebingen
Classification: Likely benign. Last evaluated: 2024-08-01. Review status: criteria provided, single submitter. Criteria: CeGaT Center For Human Genetics Tuebingen Variant Classification Criteria Version 2. Collection method: clinical testing. Allele origin: germline. Affected: yes. Observed: 1 variant allele.
Comment: NLRP5: BP4, BS1

PreventionGenetics, part of Exact Sciences
Classification: Benign for NLRP5-related condition. Last evaluated: 2019-04-01. Review status: no assertion criteria provided. Collection method: clinical testing. Allele origin: germline. Not counted in ClinVar's aggregate classification.
Comment: This variant is classified as benign based on ACMG/AMP sequence variant interpretation guidelines (Richards et al. 2015 PMID: 25741868, with internal and published modifications).

NM_001433705.1(NLRP5):c.3250A>G (p.Ser1084Gly)

Gene: NLRP5 (NLR family pyrin domain containing 5; plus strand). Cytogenetic location: 19q13.43.
Variant type: single nucleotide variant.
Coding change: c.3250A>G on transcript NM_001433705.1 (MANE Select); coding-DNA position 3250, A replaced by G.
Protein change: p.Ser1084Gly; replaces serine 1084 with glycine.
Molecular consequence: missense variant.
Genome position (GRCh38, 1-based): chr19:56,058,343, A>G. VCF-style: chr19-56058343-A-G. GRCh37 (hg19) VCF-style: chr19-56569709-A-G.
Other names: NM_153447.4:c.3403A>G; short protein forms S1084G.
Identifiers: ClinVar variation 3044040 (VCV003044040.18), dbSNP rs147885249, ClinGen allele CA9686271.
Genomic context (GRCh38, chr19:56,058,343, plus strand): 5'-TCCTTGGCCCTTTCCTGCAACCGGCATCTGACCAGTCTAAACCTGGTGCAGAATAACTTC[A>G]GTCCCAAAGGAATGATGAAGCTGTGTTCGGCCTTTGCCTGTCCCACGTCTAACTTACAGA-3'
Protein context (NP_001420634.1, residues 1074-1094): TSLNLVQNNF[Ser1084Gly]PKGMMKLCSA